The following is an entry in ClinVar:

ClinVar aggregate classification (germline): Uncertain significance (1 of 4 stars; one submission).

Conditions:
Kleefstra syndrome 2 (KLEFS2). Identifiers: MedGen C4540395, MONDO:0054701, OMIM 617768.

Allele frequency attached by ClinVar (database versions not stated): gnomAD exomes below 0.00001.
gnomAD v4.1: 2 of 1,614,056 alleles (0.00012%); highest among the groups gnomAD compares: South Asian, 0.0011%; no homozygotes.

Submission:

Victorian Clinical Genetics Services, Murdoch Childrens Research Institute
Classification: Uncertain significance for Kleefstra syndrome 2. Last evaluated: 2023-12-21. Review status: criteria provided, single submitter. Criteria: ACMG Guidelines, 2015. Collection method: clinical testing. Allele origin: germline. Inheritance: Autosomal dominant inheritance. Affected: yes.
Comment: Based on the classification scheme VCGS_Germline_v1.3.4, this variant is classified as VUS-3B. Following criteria are met: 0102 - Loss of function is a known mechanism of disease in this gene and is associated with Kleefstra syndrome 2 (MIM#617768). (I) 0107 - This gene is associated with autosomal dominant disease. (I) 0200 - Variant is predicted to result in a missense amino acid change from proline to leucine. (I) 0251 - This variant is heterozygous. (I) 0302 - Variant is present in gnomAD (v2) <0.001 for a dominant condition (1 heterozygote, 0 homozygotes). (SP) 0502 - Missense variant with conflicting in silico predictions and uninformative conservation. (I) 0604 - Variant is not located in an established domain, motif, hotspot or informative constraint region. (I) 0705 - No comparable missense variants have previous evidence for pathogenicity. (I) 0807 - This variant has no previous evidence of pathogenicity. (I) 0905 - No published segregation evidence has been identified for this variant. (I) 1007 - No published functional evidence has been identified for this variant. (I) 1207 - Parental origin of the variant is unresolved. (I) Legend: (SP) - Supporting pathogenic, (I) - Information, (SB) - Supporting benign

NM_170606.3(KMT2C):c.6236C>T (p.Pro2079Leu)

Gene: KMT2C (lysine methyltransferase 2C; minus strand). Cytogenetic location: 7q36.1.
Variant type: single nucleotide variant.
Coding change: c.6236C>T on transcript NM_170606.3 (MANE Select); coding-DNA position 6236, C replaced by T.
Protein change: p.Pro2079Leu; replaces proline 2079 with leucine.
Molecular consequence: missense variant.
Genome position (GRCh38, 1-based): chr7:152,181,624, G>A on the plus strand (C>T on the coding strand, the complement: KMT2C is on the minus strand). VCF-style: chr7-152181624-G-A. GRCh37 (hg19) VCF-style: chr7-151878709-G-A.
Other names: short protein forms P2079L.
Identifiers: ClinVar variation 3255016 (VCV003255016.1), dbSNP rs1321521913.